The following is an entry in ClinVar:

ClinVar aggregate classification (germline): Uncertain significance (1 of 4 stars; one submission).

Conditions:
Familial sleep-related hypermotor epilepsy. Also called: Autosomal Dominant Sleep-Related Hypermotor (Hyperkinetic) Epilepsy. Identifiers: Orphanet 98784, MedGen C3696898, MONDO:0000030.

gnomAD v4.1: 1 of 1,543,590 alleles (0.000065%); highest among the groups gnomAD compares: Non-Finnish European, 0.000088%; no homozygotes.

Submission:

Labcorp Genetics (formerly Invitae), Labcorp
Classification: Uncertain significance. Last evaluated: 2018-11-24. Review status: criteria provided, single submitter. Criteria: Invitae Variant Classification Sherloc (09022015). Collection method: clinical testing. Allele origin: germline.
Comment: Algorithms developed to predict the effect of missense changes on protein structure and function (SIFT, PolyPhen-2, Align-GVGD) all suggest that this variant is likely to be tolerated, but these predictions have not been confirmed by published functional studies and their clinical significance is uncertain. This sequence change replaces proline with serine at codon 434 of the CHRNA4 protein (p.Pro434Ser). The proline residue is moderately conserved and there is a moderate physicochemical difference between proline and serine. The frequency data for this variant in the population databases is considered unreliable, as metrics indicate insufficient coverage at this position in the ExAC database. This variant has not been reported in the literature in individuals with CHRNA4-related conditions. In summary, the available evidence is currently insufficient to determine the role of this variant in disease. Therefore, it has been classified as a Variant of Uncertain Significance.

NM_000744.7(CHRNA4):c.1300C>T (p.Pro434Ser)

Gene: CHRNA4 (cholinergic receptor nicotinic alpha 4 subunit; minus strand). Cytogenetic location: 20q13.33.
Variant type: single nucleotide variant.
Coding change: c.1300C>T on transcript NM_000744.7 (MANE Select); coding-DNA position 1300, C replaced by T.
Protein change: p.Pro434Ser; replaces proline 434 with serine.
Molecular consequence: missense variant. On other transcripts: non-coding transcript variant (1).
Genome position (GRCh38, 1-based): chr20:63,350,111, G>A on the plus strand (C>T on the coding strand, the complement: CHRNA4 is on the minus strand). VCF-style: chr20-63350111-G-A. GRCh37 (hg19) VCF-style: chr20-61981463-G-A.
Other names: c.772C>T, p.Pro258Ser (NM_001256573.2); short protein forms P258S, P434S.
Identifiers: ClinVar variation 665903 (VCV000665903.8), dbSNP rs545104411, ClinGen allele CA409633909.